The following is an entry in ClinVar:

NM_004698.4(PRPF3):c.1991A>G (p.His664Arg)

Gene: PRPF3 (pre-mRNA processing factor 3; plus strand). Cytogenetic location: 1q21.2.
Variant type: single nucleotide variant.
Coding change: c.1991A>G on transcript NM_004698.4 (MANE Select); coding-DNA position 1991, A replaced by G.
Protein change: p.His664Arg; replaces histidine 664 with arginine.
Molecular consequence: missense variant. On other transcripts: non-coding transcript variant (4).
Genome position (GRCh38, 1-based): chr1:150,352,918, A>G. VCF-style: chr1-150352918-A-G. GRCh37 (hg19) VCF-style: chr1-150325394-A-G.
Other names: c.1586A>G, p.His529Arg (NM_001350529.1); short protein forms H529R, H664R.
Identifiers: ClinVar variation 1474856 (VCV001474856.6), dbSNP rs2102036234, ClinGen allele CA342290972.
Genomic context (GRCh38, chr1:150,352,918, plus strand): 5'-GAGAGATGAAGTTTAAACAGTGTCCTACAGAGAACATGGCTCGTGAGCATTTCAAAAAGC[A>G]TGGGGCTGAACACTACTGGGACCTTGCGCTGAGTGAATCTGTGTTAGAGTCCACTGATTG-3'
Protein context (NP_004689.1, residues 654-674): ENMAREHFKK[His664Arg]GAEHYWDLAL

ClinVar aggregate classification (germline): Uncertain significance (1 of 4 stars; one submission).

Allele frequency attached by ClinVar (database versions not stated): gnomAD exomes below 0.00001.
gnomAD v4.1: 4 of 1,614,202 alleles (0.00025%); highest among the groups gnomAD compares: Non-Finnish European, 0.00034%; no homozygotes.

Submission:

Labcorp Genetics (formerly Invitae), Labcorp
Classification: Uncertain significance. Last evaluated: 2021-09-14. Review status: criteria provided, single submitter. Criteria: Invitae Variant Classification Sherloc (09022015). Collection method: clinical testing. Allele origin: germline.
Comment: Algorithms developed to predict the effect of missense changes on protein structure and function (SIFT, PolyPhen-2, Align-GVGD) all suggest that this variant is likely to be tolerated. In summary, the available evidence is currently insufficient to determine the role of this variant in disease. Therefore, it has been classified as a Variant of Uncertain Significance. This variant has not been reported in the literature in individuals affected with PRPF3-related conditions. This variant is not present in population databases (ExAC no frequency). This sequence change replaces histidine with arginine at codon 664 of the PRPF3 protein (p.His664Arg). The histidine residue is highly conserved and there is a small physicochemical difference between histidine and arginine.